The following is an entry in ClinVar:

ClinVar aggregate classification (germline): Pathogenic (1 of 4 stars; one submission).

Submission:

Labcorp Genetics (formerly Invitae), Labcorp
Classification: Pathogenic. Last evaluated: 2022-11-23. Review status: criteria provided, single submitter. Criteria: Invitae Variant Classification Sherloc (09022015). Collection method: clinical testing. Allele origin: germline.
Comment: For these reasons, this variant has been classified as Pathogenic. This variant has not been reported in the literature in individuals affected with ALPK3-related conditions. This variant is not present in population databases (gnomAD no frequency). This sequence change creates a premature translational stop signal (p.Ala432Glyfs*14) in the ALPK3 gene. It is expected to result in an absent or disrupted protein product. Loss-of-function variants in ALPK3 are known to be pathogenic (PMID: 21441111, 26846950, 27106955, 34263907).

Literature cited by the submitters: PubMed 21441111; PubMed 26846950; PubMed 27106955; PubMed 34263907.

NM_020778.5(ALPK3):c.688dup (p.Ala230fs)

Gene: ALPK3 (alpha kinase 3; plus strand). Cytogenetic location: 15q25.3.
Variant type: Duplication.
Coding change: c.688dup on transcript NM_020778.5 (MANE Select); coding-DNA position 688, one base duplicated (G; older notation c.688dupG).
Protein change: p.Ala230fs; shifts the reading frame from alanine 230.
Molecular consequence: frameshift variant.
Genome position (GRCh38, 1-based): chr15:84,839,967, G duplicated; the last of 4 consecutive G bases (chr15:84,839,964-84,839,967); duplicating any one gives the same sequence. VCF-style (leftmost placement, unchanged base first): chr15-84839963-C-CG. GRCh37 (hg19) VCF-style: chr15-85383194-C-CG.
Other names: short protein forms A230fs.
Identifiers: ClinVar variation 2035894 (VCV002035894.4), dbSNP rs2505705290, ClinGen allele CA2580090118.